The following is an entry in ClinVar:

ClinVar aggregate classification (germline): Uncertain significance (1 of 4 stars; one submission).

Conditions:
Tuberous sclerosis 1 (TSC1). Identifiers: Orphanet 805, MedGen C1854465, MONDO:0008612, OMIM 191100.

Submission:

Labcorp Genetics (formerly Invitae), Labcorp
Classification: Uncertain significance for Tuberous sclerosis 1. Last evaluated: 2021-10-21. Review status: criteria provided, single submitter. Criteria: Invitae Variant Classification Sherloc (09022015). Collection method: clinical testing. Allele origin: germline.
Comment: In summary, the available evidence is currently insufficient to determine the role of this variant in disease. Therefore, it has been classified as a Variant of Uncertain Significance. Algorithms developed to predict the effect of missense changes on protein structure and function (SIFT, PolyPhen-2, Align-GVGD) all suggest that this variant is likely to be tolerated. This variant has not been reported in the literature in individuals affected with TSC1-related conditions. This variant is not present in population databases (ExAC no frequency). This sequence change replaces aspartic acid with glutamic acid at codon 605 of the TSC1 protein (p.Asp605Glu). The aspartic acid residue is moderately conserved and there is a small physicochemical difference between aspartic acid and glutamic acid.

NM_000368.5(TSC1):c.1815T>A (p.Asp605Glu)

Gene: TSC1 (TSC complex subunit 1; minus strand). Cytogenetic location: 9q34.13.
Variant type: single nucleotide variant.
Coding change: c.1815T>A on transcript NM_000368.5 (MANE Select); coding-DNA position 1815, T replaced by A.
Protein change: p.Asp605Glu; replaces aspartic acid 605 with glutamic acid.
Molecular consequence: missense variant.
Genome position (GRCh38, 1-based): chr9:132,905,763, A>T on the plus strand (T>A on the coding strand, the complement: TSC1 is on the minus strand). VCF-style: chr9-132905763-A-T. GRCh37 (hg19) VCF-style: chr9-135781150-A-T.
Other names: c.1812T>A, p.Asp604Glu (NM_001162426.2); c.1662T>A, p.Asp554Glu (NM_001162427.2); c.1452T>A, p.Asp484Glu (NM_001362177.2); short protein forms D554E, D484E, D605E, D604E.
Identifiers: ClinVar variation 1421635 (VCV001421635.6), dbSNP rs2131821441, ClinGen allele CA375363338.
Genomic context (GRCh38, chr9:132,905,763, plus strand): 5'-CTCAGTCTTCCTGATGACAAAATGATGGGCTGTCTTTGGCAATGCCACCTCAAAAAGATG[A>T]TCATACGGGGGAGGCTGCCCGCTTCCAAAGCCCACTCTCGTCGGAGGTGGAATTTTACAA-3'
Protein context (NP_000359.1, residues 595-615): GFGSGQPPPY[Asp605Glu]HLFEVALPKT